The following is an entry in ClinVar:

ClinVar aggregate classification (germline): Benign (1 of 4 stars; one submission).

Allele frequency attached by ClinVar (database versions not stated): TOPMed 0.10159; 1000 Genomes Project 0.10343; 1000 Genomes Project 30x 0.10759; gnomAD 0.11177 and 0.11225.
gnomAD v4.1: 16,946 of 152,096 alleles (11%); highest among the groups gnomAD compares: Non-Finnish European, 12%; 975 homozygotes.

Submission:

GeneDx
Classification: Benign. Last evaluated: 2018-06-14. Review status: criteria provided, single submitter. Criteria: GeneDx Variant Classification (06012015). Collection method: clinical testing. Allele origin: germline. Affected: yes.
Comment: This variant is considered likely benign or benign based on one or more of the following criteria: it is a conservative change, it occurs at a poorly conserved position in the protein, it is predicted to be benign by multiple in silico algorithms, and/or has population frequency not consistent with disease.

NM_001377.3(DYNC2H1):c.10043-228G>A

Gene: DYNC2H1 (dynein cytoplasmic 2 heavy chain 1; plus strand). Cytogenetic location: 11q22.3.
Variant type: single nucleotide variant.
Coding change: c.10043-228G>A on transcript NM_001377.3 (MANE Select); 228 bases into the intron before coding-DNA position 10043, G replaced by A.
Molecular consequence: intron variant.
Genome position (GRCh38, 1-based): chr11:103,253,057, G>A. VCF-style: chr11-103253057-G-A. GRCh37 (hg19) VCF-style: chr11-103123786-G-A.
Other names: c.10064-228G>A (NM_001080463.2).
Identifiers: ClinVar variation 669919 (VCV000669919.1), dbSNP rs11225633, ClinGen allele CA15703909.